The following is an entry in ClinVar:

NM_000540.3(RYR1):c.10018G>A (p.Val3340Met)

Gene: RYR1 (ryanodine receptor 1; plus strand). Cytogenetic location: 19q13.2.
Variant type: single nucleotide variant.
Coding change: c.10018G>A on transcript NM_000540.3 (MANE Select); coding-DNA position 10018, G replaced by A.
Protein change: p.Val3340Met; replaces valine 3340 with methionine.
Molecular consequence: missense variant.
Genome position (GRCh38, 1-based): chr19:38,517,691, G>A. VCF-style: chr19-38517691-G-A. GRCh37 (hg19) VCF-style: chr19-39008331-G-A.
Other names: c.10018G>A, p.Val3340Met (NM_001042723.2); short protein forms V3340M.
Identifiers: ClinVar variation 692289 (VCV000692289.3), dbSNP rs1600892115, ClinGen allele CA405693508.
Genomic context (GRCh38, chr19:38,517,691, plus strand): 5'-CTGAGAATCATCGTCAACAACCTGGGCATTGACGAGGCCTCCTGGATGAAGCGGCTGGCT[G>A]GTGGGTCGGGGGGCACTGGGCCTCTGAGGGGTGGGTCAGCAGCCTGGGCTCCCTTGGCAG-3'
Protein context (NP_000531.2, residues 3330-3350): DEASWMKRLA[Val3340Met]FAQPIVSRAR

ClinVar aggregate classification (germline): Conflicting classifications of pathogenicity. Review status: criteria provided, conflicting classifications (1 of 4 stars). 2 submissions from 2 submitters: Likely pathogenic (1); Uncertain significance (1). Last evaluated 2024-02-22.

Conditions:
Malignant hyperthermia, susceptibility to, 1 (MHS1). Also called: RYR1-Related Malignant Hyperthermia Susceptibility; Anesthesia related hyperthermia; Malignant hyperpyrexia; Fulminating hyperpyrexia; Pharmacogenic myopathy; Malignant hyperthermia suceptibility 1. Identifiers: Orphanet 423, MedGen C2930980, MONDO:0007783, OMIM 145600.
Fetal akinesia deformation sequence 1 (FADS1). Also called: Pena-Shokeir syndrome type I; Fetal akinesia sequence. Identifiers: Orphanet 994, MedGen C1276035, MONDO:0100101, OMIM 208150, HP:0001989.
Arthrogryposis multiplex congenita (AMC). Also called: Congenital multiple arthrogryposis; Fibrous ankylosis of multiple joints; Congenital arthromyodysplasia; Myodystrophia fetalis deformans; Otto syndrome; Rocher-Sheldon syndrome. Identifiers: Orphanet 1037, MedGen C5779613, MeSH D001176, MONDO:0015168, HP:0002804.

Submissions (2):

All of Us Research Program, National Institutes of Health
Classification: Uncertain significance for Malignant hyperthermia, susceptibility to, 1. Last evaluated: 2024-02-22. Review status: criteria provided, single submitter. Criteria: ACMG Guidelines, 2015. Collection method: clinical testing. Allele origin: germline. Inheritance: Autosomal dominant inheritance. Observed: 1 variant allele, 1 heterozygote.
Comment: This pathogenicity assessment is for autosomal dominant malignant hyperthermia susceptibility phenotype. This variant causes a G>A nucleotide substitution at the last nucleotide of exon 66 of the RYR1 gene, and splice site prediction tools suggest that this variant may impact RNA splicing and result in an absent RYR1 protein product. Loss of RYR1 function due to haploinsufficiency is associated with congenital myopathy, but it is not an established disease mechanism for autosomal dominant malignant hyperthermia susceptibility. Therefore, this variant is classified as a Variant of Uncertain Significance for malignant hyperthermia susceptibility.

This study involves interpretation of variants in research participants for the purpose of population health screening. Participant phenotype was not available at the time of variant classification. Additional details can be found in publication PMID: 35346344, PMCID: PMC8962531

Cirak Lab, University Hospital Cologne
Classification: Likely pathogenic for Arthrogryposis multiplex congenita; Fetal akinesia sequence. Last evaluated: 2019-06-28. Review status: criteria provided, single submitter. Criteria: ACMG Guidelines, 2015. Collection method: research. Allele origin: unknown. Affected: yes. Observed: 1 variant allele.

Literature cited by the submitters: PubMed 31680123 (cited by Cirak Lab, University Hospital Cologne).